The following is an entry in ClinVar:

NC_000023.10:g.(?_32490261)_(32490446_?)del

Gene: DMD (dystrophin; minus strand). Cytogenetic location: Xp21.1.
Variant type: Deletion.
Identifiers: ClinVar variation 2424870 (VCV002424870.5).

ClinVar aggregate classification (germline): Pathogenic (1 of 4 stars; one submission).

Conditions:
Duchenne muscular dystrophy (DMD). Also called: Duchenne Muscular Dystrophy (DMD); MUSCULAR DYSTROPHY, PSEUDOHYPERTROPHIC PROGRESSIVE, DUCHENNE TYPE. Identifiers: Orphanet 98896, MedGen C0013264, MONDO:0010679, OMIM 310200.

Submission:

Labcorp Genetics (formerly Invitae), Labcorp
Classification: Pathogenic for Duchenne muscular dystrophy. Last evaluated: 2022-05-25. Review status: criteria provided, single submitter. Criteria: Invitae Variant Classification Sherloc (09022015). Collection method: clinical testing. Allele origin: germline.
Comment: This variant is a gross deletion of the genomic region encompassing exon(s) 22 of the DMD gene. This deletion is out-of-frame, and is expected to create a premature termination codon and result in an absent or disrupted protein product. Loss-of-function variants in DMD are known to be pathogenic (PMID: 16770791, 25007885). A similar copy number variant has been observed in individual(s) with Becker muscular dystrophy and/or Duchenne muscular dystrophy (PMID: 16030524, 31705731, 33644936). For these reasons, this variant has been classified as Pathogenic.

Literature cited by the submitters: PubMed 16770791; PubMed 25007885; PubMed 16030524; PubMed 31705731; PubMed 33644936.